The following is an entry in ClinVar:

ClinVar aggregate classification (germline): Uncertain significance/VUS-low. Review status: criteria provided, multiple submitters, no conflicts (2 of 4 stars). 5 submissions from 5 submitters: Uncertain significance (4); VUS-low (1). Last evaluated 2025-12-12.

Conditions:
Left ventricular noncompaction 8 (LVNC8). Identifiers: Orphanet 154, Orphanet 54260, MedGen C3809288, MONDO:0014152, OMIM 615373.
Inborn genetic diseases. Identifiers: MedGen C0950123, MeSH D030342.
Primary dilated cardiomyopathy (DCM). Also called: Dilated Cardiomyopathy. Identifiers: Orphanet 217604, MedGen C0007193, MeSH D002311, MONDO:0005021, HP:0001644. Inheritance: Various modes of inheritance.

Allele frequency attached by ClinVar (database versions not stated): TOPMed 0.00011; gnomAD 0.00006 and 0.00005; ExAC 0.00004.
gnomAD v4.1: 83 of 1,612,692 alleles (0.0051%); highest among the groups gnomAD compares: Middle Eastern, 0.049%; no homozygotes.

Submissions (5):

Center for Molecular Medicine, Children’s Hospital of Fudan University
Classification: VUS-low for Left ventricular noncompaction 8. Last evaluated: 2025-12-12. Review status: criteria provided, single submitter. Criteria: ACMG Guidelines 2015. Collection method: clinical testing. Allele origin: maternal. Affected: yes.
Comment: PM2_PP

Labcorp Genetics (formerly Invitae), Labcorp
Classification: Uncertain significance for Left ventricular noncompaction 8. Last evaluated: 2025-12-08. Review status: criteria provided, single submitter. Criteria: Invitae Variant Classification Sherloc (09022015). Collection method: clinical testing. Allele origin: germline.
Comment: This sequence change replaces arginine, which is basic and polar, with tryptophan, which is neutral and slightly polar, at codon 26 of the PRDM16 protein (p.Arg26Trp). This variant is present in population databases (rs769704263, gnomAD 0.04%). This variant has not been reported in the literature in individuals affected with PRDM16-related conditions. ClinVar contains an entry for this variant (Variation ID: 474439). An algorithm developed to predict the effect of missense changes on protein structure and function (PolyPhen-2) suggests that this variant is likely to be disruptive. In summary, the available evidence is currently insufficient to determine the role of this variant in disease. Therefore, it has been classified as a Variant of Uncertain Significance.

Ambry Genetics
Classification: Uncertain significance for Inborn genetic diseases. Last evaluated: 2025-10-02. Review status: criteria provided, single submitter. Criteria: Ambry Variant Classification Scheme 2023. Collection method: clinical testing. Allele origin: germline.

GeneDx
Classification: Uncertain significance. Last evaluated: 2025-04-28. Review status: criteria provided, single submitter. Criteria: GeneDx Variant Classification Process June 2021. Collection method: clinical testing. Allele origin: germline. Affected: yes.
Comment: Has not been previously published as pathogenic or benign to our knowledge; In silico analysis indicates that this missense variant does not alter protein structure/function

Genetics and Genomics Program, Sidra Medicine
Classification: Uncertain significance for Primary dilated cardiomyopathy. Review status: criteria provided, single submitter. Criteria: ACMG Guidelines, 2015. Collection method: research. Allele origin: unknown. Affected: yes. Observed: 1 variant allele.

NM_022114.4(PRDM16):c.76C>T (p.Arg26Trp)

Gene: PRDM16 (PR/SET domain 16; plus strand). Cytogenetic location: 1p36.32.
Variant type: single nucleotide variant.
Coding change: c.76C>T on transcript NM_022114.4 (MANE Select); coding-DNA position 76, C replaced by T.
Protein change: p.Arg26Trp; replaces arginine 26 with tryptophan.
Molecular consequence: missense variant.
Genome position (GRCh38, 1-based): chr1:3,186,163, C>T. VCF-style: chr1-3186163-C-T. GRCh37 (hg19) VCF-style: chr1-3102727-C-T.
Other names: c.76C>T, p.Arg26Trp (NM_199454.3); short protein forms R26W.
Identifiers: ClinVar variation 474439 (VCV000474439.18), dbSNP rs769704263, ClinGen allele CA543691.